The following is an entry in ClinVar:

NM_001135649.3(FOXI3):c.1115C>T (p.Thr372Ile)

Gene: FOXI3 (forkhead box I3; minus strand). Cytogenetic location: 2p11.2.
Variant type: single nucleotide variant.
Coding change: c.1115C>T on transcript NM_001135649.3 (MANE Select); coding-DNA position 1115, C replaced by T.
Protein change: p.Thr372Ile; replaces threonine 372 with isoleucine.
Molecular consequence: missense variant.
Genome position (GRCh38, 1-based): chr2:88,448,355, G>A on the plus strand (C>T on the coding strand, the complement: FOXI3 is on the minus strand). VCF-style: chr2-88448355-G-A. GRCh37 (hg19) VCF-style: chr2-88747874-G-A.
Other names: short protein forms T372I.
Identifiers: ClinVar variation 4771128 (VCV004771128.1).
Genomic context (GRCh38, chr2:88,448,355, plus strand): 5'-CCGCTGGTGCTGGCAGGGAAAGGGCTGTAATAGGAAGATCTCTGGCCGGTGCTATTGCTG[G>A]TGCTATTGCTCAGTTGCAAGGTGTCTGCTGAGGCCTCTGAGATGGAGGTCGGGGAGAACA-3'
Protein context (NP_001129121.1, residues 362-382): SADTLQLSNS[Thr372Ile]SNSTGQRSSY

ClinVar aggregate classification (germline): Uncertain significance (1 of 4 stars; one submission).

Submission:

Labcorp Genetics (formerly Invitae), Labcorp
Classification: Uncertain significance. Last evaluated: 2025-03-26. Review status: criteria provided, single submitter. Criteria: Invitae Variant Classification Sherloc (09022015). Collection method: clinical testing. Allele origin: germline.
Comment: This sequence change replaces threonine, which is neutral and polar, with isoleucine, which is neutral and non-polar, at codon 372 of the FOXI3 protein (p.Thr372Ile). This variant is present in population databases (no rsID available, gnomAD 0.01%). This variant has not been reported in the literature in individuals affected with FOXI3-related conditions. Experimental studies and prediction algorithms are not available or were not evaluated, and the functional significance of this variant is currently unknown. In summary, the available evidence is currently insufficient to determine the role of this variant in disease. Therefore, it has been classified as a Variant of Uncertain Significance.